The following is an entry in ClinVar:

NM_001388453.1(QRICH2):c.2625A>T (p.Gly875=)

Gene: QRICH2 (glutamine rich 2; minus strand). Cytogenetic location: 17q25.1.
Variant type: single nucleotide variant.
Coding change: c.2625A>T on transcript NM_001388453.1 (MANE Select); coding-DNA position 2625, A replaced by T.
Protein change: p.Gly875=; no amino-acid change (glycine 875 retained).
Molecular consequence: synonymous variant.
Genome position (GRCh38, 1-based): chr17:76,292,102, T>A on the plus strand (A>T on the coding strand, the complement: QRICH2 is on the minus strand). VCF-style: chr17-76292102-T-A. GRCh37 (hg19) VCF-style: chr17-74288183-T-A.
Other names: c.2625A>T, p.Gly875= (NM_032134.3).
Identifiers: ClinVar variation 4681318 (VCV004681318.5).

ClinVar aggregate classification (germline): Likely benign (1 of 4 stars; one submission).

Submission:

CeGaT Center for Human Genetics Tuebingen
Classification: Likely benign. Last evaluated: 2025-11-01. Review status: criteria provided, single submitter. Criteria: CeGaT Center For Human Genetics Tuebingen Variant Classification Criteria Version 2. Collection method: clinical testing. Allele origin: germline. Affected: yes. Observed: 1 variant allele.
Comment: QRICH2: BP4, BP7